The following is an entry in ClinVar:

NM_002693.3(POLG):c.1324G>A (p.Glu442Lys)

Gene: POLG (DNA polymerase gamma, catalytic subunit; minus strand). Cytogenetic location: 15q26.1.
Variant type: single nucleotide variant.
Coding change: c.1324G>A on transcript NM_002693.3 (MANE Select); coding-DNA position 1324, G replaced by A.
Protein change: p.Glu442Lys; replaces glutamic acid 442 with lysine.
Molecular consequence: missense variant.
Genome position (GRCh38, 1-based): chr15:89,327,276, C>T on the plus strand (G>A on the coding strand, the complement: POLG is on the minus strand). VCF-style: chr15-89327276-C-T. GRCh37 (hg19) VCF-style: chr15-89870507-C-T.
Other names: c.1324G>A, p.Glu442Lys (NM_001126131.2); short protein forms E442K.
Identifiers: ClinVar variation 2425536 (VCV002425536.5), dbSNP rs2055535286, ClinGen allele CA393762366.

ClinVar aggregate classification (germline): Uncertain significance (1 of 4 stars; one submission).

Conditions:
Progressive sclerosing poliodystrophy (MTDPS4A). Also called: Mitochondrial DNA Depletion Syndrome 4A; Alpers-Huttenlocher Syndrome (AHS); ALPERS PROGRESSIVE INFANTILE POLIODYSTROPHY; NEURONAL DEGENERATION OF CHILDHOOD WITH LIVER DISEASE, PROGRESSIVE; Mitochondrial DNA depletion syndrome 4A (Alpers type); Alpers Syndrome. Identifiers: Orphanet 726, MedGen C0205710, MONDO:0008758, OMIM 203700.

Allele frequency attached by ClinVar (database versions not stated): TOPMed below 0.00001.

Submission:

Labcorp Genetics (formerly Invitae), Labcorp
Classification: Uncertain significance for Progressive sclerosing poliodystrophy. Last evaluated: 2026-01-05. Review status: criteria provided, single submitter. Criteria: Invitae Variant Classification Sherloc (09022015). Collection method: clinical testing. Allele origin: germline.
Comment: This sequence change replaces glutamic acid, which is acidic and polar, with lysine, which is basic and polar, at codon 442 of the POLG protein (p.Glu442Lys). This variant is not present in population databases (gnomAD no frequency). This variant has not been reported in the literature in individuals affected with POLG-related conditions. ClinVar contains an entry for this variant (Variation ID: 2425536). Invitae Evidence Modeling of protein sequence and biophysical properties (such as structural, functional, and spatial information, amino acid conservation, physicochemical variation, residue mobility, and thermodynamic stability) indicates that this missense variant is not expected to disrupt POLG protein function with a negative predictive value of 95%. In summary, the available evidence is currently insufficient to determine the role of this variant in disease. Therefore, it has been classified as a Variant of Uncertain Significance.